The following is an entry in ClinVar:

ClinVar aggregate classification (germline): Uncertain significance (1 of 4 stars; one submission).

gnomAD v4.1: 1 of 1,612,272 alleles (0.000062%); highest among the groups gnomAD compares: Non-Finnish European, 0.000085%; no homozygotes.

Submission:

Labcorp Genetics (formerly Invitae), Labcorp
Classification: Uncertain significance. Last evaluated: 2022-09-06. Review status: criteria provided, single submitter. Criteria: Invitae Variant Classification Sherloc (09022015). Collection method: clinical testing. Allele origin: germline.
Comment: This sequence change replaces proline, which is neutral and non-polar, with serine, which is neutral and polar, at codon 2072 of the VPS13A protein (p.Pro2072Ser). This variant is not present in population databases (gnomAD no frequency). This variant has not been reported in the literature in individuals affected with VPS13A-related conditions. Algorithms developed to predict the effect of missense changes on protein structure and function output the following: SIFT: "Tolerated"; PolyPhen-2: "Benign"; Align-GVGD: "Class C0". The serine amino acid residue is found in multiple mammalian species, which suggests that this missense change does not adversely affect protein function. In summary, the available evidence is currently insufficient to determine the role of this variant in disease. Therefore, it has been classified as a Variant of Uncertain Significance.

NM_033305.3(VPS13A):c.6214C>T (p.Pro2072Ser)

Gene: VPS13A (vacuolar protein sorting 13 homolog A; plus strand). Cytogenetic location: 9q21.2.
Variant type: single nucleotide variant.
Coding change: c.6214C>T on transcript NM_033305.3 (MANE Select); coding-DNA position 6214, C replaced by T.
Protein change: p.Pro2072Ser; replaces proline 2072 with serine.
Molecular consequence: missense variant.
Genome position (GRCh38, 1-based): chr9:77,337,373, C>T. VCF-style: chr9-77337373-C-T. GRCh37 (hg19) VCF-style: chr9-79952289-C-T.
Other names: c.6097C>T, p.Pro2033Ser (NM_001018037.2); c.6214C>T, p.Pro2072Ser (NM_001018038.3, NM_015186.4); short protein forms P2072S, P2033S.
Identifiers: ClinVar variation 1964039 (VCV001964039.2), dbSNP rs2131498649, ClinGen allele CA373848352.